The following is an entry in ClinVar:

NM_004722.4(AP4M1):c.956G>A (p.Cys319Tyr)

Gene: AP4M1 (adaptor related protein complex 4 subunit mu 1; plus strand). Cytogenetic location: 7q22.1.
Variant type: single nucleotide variant.
Coding change: c.956G>A on transcript NM_004722.4 (MANE Select); coding-DNA position 956, G replaced by A.
Protein change: p.Cys319Tyr; replaces cysteine 319 with tyrosine.
Molecular consequence: missense variant.
Genome position (GRCh38, 1-based): chr7:100,105,985, G>A. VCF-style: chr7-100105985-G-A. GRCh37 (hg19) VCF-style: chr7-99703608-G-A.
Other names: c.977G>A, p.Cys326Tyr (NM_001363671.2); short protein forms C319Y, C326Y.
Identifiers: ClinVar variation 383930 (VCV000383930.3), dbSNP rs1057521784, ClinGen allele CA16605611.

ClinVar aggregate classification (germline): Likely pathogenic. Review status: criteria provided, single submitter (1 of 4 stars). 2 submissions from 2 submitters: Likely pathogenic (1). 1 of the submissions does not count toward it. Last evaluated 2016-02-25.

Conditions:
Spastic paraplegia. Identifiers: MedGen C0037772, HP:0001258.

gnomAD v4.1: 3 of 1,614,166 alleles (0.00019%); highest among the groups gnomAD compares: South Asian, 0.0011%; no homozygotes.

Submissions (2):

GeneDx
Classification: Likely pathogenic. Last evaluated: 2016-02-25. Review status: criteria provided, single submitter. Criteria: GeneDx Variant Classification (06012015). Collection method: clinical testing. Allele origin: germline. Affected: yes.
Comment: The C319Y variant in the AP4M1 gene has not been reported previously as a pathogenic variant, nor as a benign variant, to our knowledge. The C319Y variant was not observed in approximately 6500 individuals of European and African American ancestry in the NHLBI Exome Sequencing Project, indicating it is not a common benign variant in these populations. The C319Y variant is a non-conservative amino acid substitution, which occurs at a position that is conserved across species. In silico analysis predicts this variant is probably damaging to the protein structure/function. The C319Y variant is a strong candidate for a pathogenic variant, however the possibility it may be a rare benign variant cannot be excluded.

Yale Center for Mendelian Genomics, Yale University
Classification: Likely pathogenic for Spastic paraplegia. Last evaluated: 2020-10-01. Review status: no assertion criteria provided. Collection method: literature only. Allele origin: germline. Affected: yes. Observed: 1 compound heterozygote. Study: Yale Center for Mendelian Genomics. Not counted in ClinVar's aggregate classification.

Literature cited by the submitters: PubMed 32979048 (cited by Yale Center for Mendelian Genomics, Yale University).